The following is an entry in ClinVar:

ClinVar aggregate classification (germline): Uncertain significance (1 of 4 stars; one submission).

Conditions:
Muscular dystrophy-dystroglycanopathy (congenital with brain and eye anomalies), type A9. Also called: Muscular dystrophy-dystroglycanopathy (congenital with brain and eye anomalies), type a, 9; WALKER-WARBURG SYNDROME OR MUSCLE-EYE BRAIN DISEASE, DAG1-RELATED. Identifiers: Orphanet 370997, Orphanet 899, MedGen C4225291, MONDO:0014683, OMIM 616538.
Autosomal recessive limb-girdle muscular dystrophy type 2P. Also called: MUSCULAR DYSTROPHY-DYSTROGLYCANOPATHY, LIMB-GIRDLE, DAG1-RELATED; Limb-Girdle Muscular Dystrophy Type 9C; MUSCULAR DYSTROPHY, LIMB-GIRDLE, TYPE 2P. Identifiers: Orphanet 280333, MedGen C4511963, MONDO:0013440, OMIM 613818.

Submission:

Labcorp Genetics (formerly Invitae), Labcorp
Classification: Uncertain significance for Autosomal recessive limb-girdle muscular dystrophy type 2P; Muscular dystrophy-dystroglycanopathy (congenital with brain and eye anomalies), type A9. Last evaluated: 2022-06-20. Review status: criteria provided, single submitter. Criteria: Invitae Variant Classification Sherloc (09022015). Collection method: clinical testing. Allele origin: germline.
Comment: In summary, the available evidence is currently insufficient to determine the role of this variant in disease. Therefore, it has been classified as a Variant of Uncertain Significance. Algorithms developed to predict the effect of missense changes on protein structure and function (SIFT, PolyPhen-2, Align-GVGD) all suggest that this variant is likely to be tolerated. This variant has not been reported in the literature in individuals affected with DAG1-related conditions. This variant is not present in population databases (gnomAD no frequency). This sequence change replaces proline, which is neutral and non-polar, with alanine, which is neutral and non-polar, at codon 605 of the DAG1 protein (p.Pro605Ala).

NM_004393.6(DAG1):c.1813C>G (p.Pro605Ala)

Gene: DAG1 (dystroglycan 1; plus strand). Cytogenetic location: 3p21.31.
Variant type: single nucleotide variant.
Coding change: c.1813C>G on transcript NM_004393.6 (MANE Select); coding-DNA position 1813, C replaced by G.
Protein change: p.Pro605Ala; replaces proline 605 with alanine.
Molecular consequence: missense variant.
Genome position (GRCh38, 1-based): chr3:49,532,324, C>G. VCF-style: chr3-49532324-C-G. GRCh37 (hg19) VCF-style: chr3-49569757-C-G.
Other names: c.1813C>G, p.Pro605Ala (NM_001165928.4, NM_001177634.3, NM_001177635.3 and 9 more transcripts); short protein forms P605A.
Identifiers: ClinVar variation 1507097 (VCV001507097.8), dbSNP rs866228869, ClinGen allele CA352796197.